The following is an entry in ClinVar:

NM_032656.4(DHX37):c.904G>A (p.Gly302Ser)

Gene: DHX37 (DEAH-box helicase 37; minus strand). Cytogenetic location: 12q24.31.
Variant type: single nucleotide variant.
Coding change: c.904G>A on transcript NM_032656.4 (MANE Select); coding-DNA position 904, G replaced by A.
Protein change: p.Gly302Ser; replaces glycine 302 with serine.
Molecular consequence: missense variant.
Genome position (GRCh38, 1-based): chr12:124,975,495, C>T on the plus strand (G>A on the coding strand, the complement: DHX37 is on the minus strand). VCF-style: chr12-124975495-C-T. GRCh37 (hg19) VCF-style: chr12-125460041-C-T.
Other names: c.904G>A (NM_032656.3); short protein forms G302S.
Identifiers: ClinVar variation 1977638 (VCV001977638.7), dbSNP rs369888049, ClinGen allele CA6872296.

ClinVar aggregate classification (germline): Uncertain significance. Review status: criteria provided, multiple submitters, no conflicts (2 of 4 stars). 2 submissions from 2 submitters: Uncertain significance (2). Last evaluated 2023-05-03.

Conditions:
Inborn genetic diseases. Identifiers: MedGen C0950123, MeSH D030342.

Allele frequency attached by ClinVar (database versions not stated): TOPMed 0.00002; ExAC 0.00004; gnomAD 0.00004; ESP Exome Variant Server 0.00015.
gnomAD v4.1: 43 of 1,612,408 alleles (0.0027%); highest among the groups gnomAD compares: Middle Eastern, 0.033%; no homozygotes.

Submissions (2):

Ambry Genetics
Classification: Uncertain significance for Inborn genetic diseases. Last evaluated: 2023-05-03. Review status: criteria provided, single submitter. Criteria: Ambry Variant Classification Scheme 2023. Collection method: clinical testing. Allele origin: germline.

Labcorp Genetics (formerly Invitae), Labcorp
Classification: Uncertain significance. Last evaluated: 2022-05-27. Review status: criteria provided, single submitter. Criteria: Invitae Variant Classification Sherloc (09022015). Collection method: clinical testing. Allele origin: germline.
Comment: In summary, the available evidence is currently insufficient to determine the role of this variant in disease. Therefore, it has been classified as a Variant of Uncertain Significance. This sequence change replaces glycine, which is neutral and non-polar, with serine, which is neutral and polar, at codon 302 of the DHX37 protein (p.Gly302Ser). This variant is present in population databases (rs369888049, gnomAD 0.02%). This variant has not been reported in the literature in individuals affected with DHX37-related conditions. Algorithms developed to predict the effect of missense changes on protein structure and function (SIFT, PolyPhen-2, Align-GVGD) all suggest that this variant is likely to be disruptive.